The following is an entry in ClinVar:

ClinVar aggregate classification (germline): Uncertain significance. Review status: criteria provided, multiple submitters, no conflicts (2 of 4 stars). 2 submissions from 2 submitters: Uncertain significance (2). Last evaluated 2025-01-15.

Conditions:
Inborn genetic diseases. Identifiers: MedGen C0950123, MeSH D030342.

Allele frequency attached by ClinVar (database versions not stated): ESP Exome Variant Server 0.00008; ExAC 0.00006; 1000 Genomes Project 30x 0.00016; gnomAD exomes 0.00005; 1000 Genomes Project 0.00020.

Submissions (2):

Ambry Genetics
Classification: Uncertain significance for Inborn genetic diseases. Last evaluated: 2025-01-15. Review status: criteria provided, single submitter. Criteria: Ambry Variant Classification Scheme 2023. Collection method: clinical testing. Allele origin: germline.

Labcorp Genetics (formerly Invitae), Labcorp
Classification: Uncertain significance. Last evaluated: 2022-10-14. Review status: criteria provided, single submitter. Criteria: Invitae Variant Classification Sherloc (09022015). Collection method: clinical testing. Allele origin: germline.
Comment: This sequence change replaces arginine, which is basic and polar, with histidine, which is basic and polar, at codon 984 of the ADAMTSL4 protein (p.Arg984His). This variant is present in population databases (rs200667760, gnomAD 0.02%). This variant has not been reported in the literature in individuals affected with ADAMTSL4-related conditions. ClinVar contains an entry for this variant (Variation ID: 1428579). Advanced modeling of protein sequence and biophysical properties (such as structural, functional, and spatial information, amino acid conservation, physicochemical variation, residue mobility, and thermodynamic stability) performed at Invitae indicates that this missense variant is not expected to disrupt ADAMTSL4 protein function. In summary, the available evidence is currently insufficient to determine the role of this variant in disease. Therefore, it has been classified as a Variant of Uncertain Significance.

NM_019032.6(ADAMTSL4):c.2951G>A (p.Arg984His)

Gene: ADAMTSL4 (ADAMTS like 4; plus strand). Cytogenetic location: 1q21.2.
Variant type: single nucleotide variant.
Coding change: c.2951G>A on transcript NM_019032.6 (MANE Select); coding-DNA position 2951, G replaced by A.
Protein change: p.Arg984His; replaces arginine 984 with histidine.
Molecular consequence: missense variant.
Genome position (GRCh38, 1-based): chr1:150,559,768, G>A. VCF-style: chr1-150559768-G-A. GRCh37 (hg19) VCF-style: chr1-150532244-G-A.
Other names: c.2834G>A, p.Arg945His (NM_001288607.2); c.3020G>A, p.Arg1007His (NM_001288608.2); c.2951G>A, p.Arg984His (NM_001378596.1); c.2951G>A (NM_019032.4); short protein forms R1007H, R945H, R984H.
Identifiers: ClinVar variation 1428579 (VCV001428579.6), dbSNP rs200667760, ClinGen allele CA1078908.
Genomic context (GRCh38, chr1:150,559,768, plus strand): 5'-AGGAGAATCCCGGGCCTGGCAAAGGTCTGATATGATGGCTGGGGTCGCCCCAGTGTTCTC[G>A]CTCCTGCCAAGGGGGAACGCAGACACGGGAGGTCCAGTGCCTGAGCACCAACCAGACCCT-3'
Protein context (NP_061905.2, residues 974-994): WFSTPWSPCS[Arg984His]SCQGGTQTRE